The following is an entry in ClinVar:

ClinVar aggregate classification (germline): Uncertain significance (1 of 4 stars; one submission).

Conditions:
Idiopathic generalized epilepsy. Also called: Generalised epilepsy; EIG. Identifiers: MedGen C0270850, MONDO:0005579, OMIM 600669.

Allele frequency attached by ClinVar (database versions not stated): TOPMed 0.00002.
gnomAD v4.1: 3 of 1,612,506 alleles (0.00019%); highest among the groups gnomAD compares: Admixed American, 0.005%; no homozygotes.

Submission:

Labcorp Genetics (formerly Invitae), Labcorp
Classification: Uncertain significance for Idiopathic generalized epilepsy. Last evaluated: 2024-08-24. Review status: criteria provided, single submitter. Criteria: Invitae Variant Classification Sherloc (09022015). Collection method: clinical testing. Allele origin: germline.
Comment: This sequence change replaces alanine, which is neutral and non-polar, with valine, which is neutral and non-polar, at codon 36 of the RBFOX1 protein (p.Ala36Val). This variant is present in population databases (rs750798420, gnomAD 0.02%). This variant has not been reported in the literature in individuals affected with RBFOX1-related conditions. ClinVar contains an entry for this variant (Variation ID: 1015421). Invitae Evidence Modeling of protein sequence and biophysical properties (such as structural, functional, and spatial information, amino acid conservation, physicochemical variation, residue mobility, and thermodynamic stability) indicates that this missense variant is not expected to disrupt RBFOX1 protein function with a negative predictive value of 80%. In summary, the available evidence is currently insufficient to determine the role of this variant in disease. Therefore, it has been classified as a Variant of Uncertain Significance.

NM_018723.4(RBFOX1):c.47C>T (p.Ala16Val)

Gene: RBFOX1 (RNA binding fox-1 homolog 1; plus strand). Cytogenetic location: 16p13.3.
Variant type: single nucleotide variant.
Coding change: c.47C>T on transcript NM_018723.4 (MANE Select); coding-DNA position 47, C replaced by T.
Protein change: p.Ala16Val; replaces alanine 16 with valine.
Molecular consequence: missense variant.
Genome position (GRCh38, 1-based): chr16:7,518,166, C>T. VCF-style: chr16-7518166-C-T. GRCh37 (hg19) VCF-style: chr16-7568168-C-T.
Other names: c.47C>T, p.Ala16Val (NM_001142333.2, NM_001142334.2, NM_001364800.2); c.176C>T, p.Ala59Val (NM_001308117.1); c.107C>T, p.Ala36Val (NM_145891.3, NM_145892.3, NM_145893.3); short protein forms A16V, A36V, A59V.
Identifiers: ClinVar variation 1015421 (VCV001015421.9), dbSNP rs750798420, ClinGen allele CA7891297.